The following is an entry in ClinVar:

ClinVar aggregate classification (germline): Pathogenic (1 of 4 stars; one submission).

Conditions:
Multiple acyl-CoA dehydrogenase deficiency (MADD). Also called: Glutaric aciduria, type 2; Glutaric acidemia type II; GA 2; Glutaric Acidemia type 2; ETHYLMALONIC-ADIPICACIDURIA; GA II. Identifiers: Orphanet 26791, MedGen C0268596, MONDO:0009282, OMIM 231680.

Submission:

Labcorp Genetics (formerly Invitae), Labcorp
Classification: Pathogenic for Multiple acyl-CoA dehydrogenase deficiency. Last evaluated: 2023-07-17. Review status: criteria provided, single submitter. Criteria: Invitae Variant Classification Sherloc (09022015). Collection method: clinical testing. Allele origin: germline.
Comment: For these reasons, this variant has been classified as Pathogenic. This variant has not been reported in the literature in individuals affected with ETFDH-related conditions. This variant is not present in population databases (gnomAD no frequency). This sequence change creates a premature translational stop signal (p.Gly306*) in the ETFDH gene. It is expected to result in an absent or disrupted protein product. Loss-of-function variants in ETFDH are known to be pathogenic (PMID: 16510302, 23785301).

Literature cited by the submitters: PubMed 16510302; PubMed 23785301.

NM_004453.4(ETFDH):c.916G>T (p.Gly306Ter)

Gene: ETFDH (electron transfer flavoprotein dehydrogenase; plus strand). Cytogenetic location: 4q32.1.
Variant type: single nucleotide variant.
Coding change: c.916G>T on transcript NM_004453.4 (MANE Select); coding-DNA position 916, G replaced by T.
Protein change: p.Gly306Ter; replaces glycine 306 with a stop codon.
Molecular consequence: nonsense.
Genome position (GRCh38, 1-based): chr4:158,697,643, G>T. VCF-style: chr4-158697643-G-T. GRCh37 (hg19) VCF-style: chr4-159618795-G-T.
Other names: c.775G>T, p.Gly259Ter (NM_001281737.2); c.733G>T, p.Gly245Ter (NM_001281738.1); short protein forms G306*, G245*, G259*.
Identifiers: ClinVar variation 2744370 (VCV002744370.3), dbSNP rs761008371, ClinGen allele CA358561554.
Genomic context (GRCh38, chr4:158,697,643, plus strand): 5'-TGGAAACCTGGGAGAGTAGATCACACTGTTGGTTGGCCCTTGGACAGACATACCTATGGA[G>T]GATCTTTCCTCTATCATTTGAATGAAGGTGAACCCCTAGTAGCTCTTGGTCTTGTGGTAA-3'